The following is an entry in ClinVar:

ClinVar aggregate classification (germline): Uncertain significance (1 of 4 stars; one submission).

Allele frequency attached by ClinVar (database versions not stated): gnomAD exomes below 0.00001; TOPMed 0.00002; gnomAD 0.00003.
gnomAD v4.1: 5 of 1,613,508 alleles (0.00031%); highest among the groups gnomAD compares: Non-Finnish European, 0.00042%; no homozygotes.

Submission:

Labcorp Genetics (formerly Invitae), Labcorp
Classification: Uncertain significance. Last evaluated: 2024-05-15. Review status: criteria provided, single submitter. Criteria: Invitae Variant Classification Sherloc (09022015). Collection method: clinical testing. Allele origin: germline.
Comment: This sequence change replaces leucine, which is neutral and non-polar, with serine, which is neutral and polar, at codon 835 of the MICAL1 protein (p.Leu835Ser). This variant is not present in population databases (gnomAD no frequency). This variant has not been reported in the literature in individuals affected with MICAL1-related conditions. ClinVar contains an entry for this variant (Variation ID: 1920908). An algorithm developed to predict the effect of missense changes on protein structure and function (PolyPhen-2) suggests that this variant is likely to be disruptive. In summary, the available evidence is currently insufficient to determine the role of this variant in disease. Therefore, it has been classified as a Variant of Uncertain Significance.

NM_022765.4(MICAL1):c.2447T>C (p.Leu816Ser)

Gene: MICAL1 (microtubule associated monooxygenase, calponin and LIM domain containing 1; minus strand). Cytogenetic location: 6q21.
Variant type: single nucleotide variant.
Coding change: c.2447T>C on transcript NM_022765.4 (MANE Select); coding-DNA position 2447, T replaced by C.
Protein change: p.Leu816Ser; replaces leucine 816 with serine.
Molecular consequence: missense variant.
Genome position (GRCh38, 1-based): chr6:109,446,270, A>G on the plus strand (T>C on the coding strand, the complement: MICAL1 is on the minus strand). VCF-style: chr6-109446270-A-G. GRCh37 (hg19) VCF-style: chr6-109767473-A-G.
Other names: c.2189T>C, p.Leu730Ser (NM_001159291.2); c.2504T>C, p.Leu835Ser (NM_001286613.2); short protein forms L816S, L730S, L835S.
Identifiers: ClinVar variation 1920908 (VCV001920908.5), dbSNP rs879694571, ClinGen allele CA145117275.